The following is an entry in ClinVar:

ClinVar aggregate classification (germline): Benign/Likely benign. Review status: criteria provided, multiple submitters, no conflicts (2 of 4 stars). 6 submissions from 6 submitters: Benign (3); Likely benign (3). Last evaluated 2026-01-28.

Conditions:
Primary ciliary dyskinesia 7. Also called: CILIARY DYSKINESIA, PRIMARY, 7, WITH OR WITHOUT SITUS INVERSUS. Identifiers: Orphanet 244, MedGen C2678473, MONDO:0012748, OMIM 611884.
Primary ciliary dyskinesia. Also called: Ciliary dyskinesia. Identifiers: Orphanet 244, MedGen C0008780, MONDO:0016575, HP:0012265.

Allele frequency attached by ClinVar (database versions not stated): gnomAD exomes 0.00155; ExAC 0.00166; ESP Exome Variant Server 0.00471; gnomAD 0.00567 and 0.00599; TOPMed 0.00646; 1000 Genomes Project 0.00879; 1000 Genomes Project 30x 0.01031.
gnomAD v4.1: 1,726 of 1,613,854 alleles (0.11%); highest among the groups gnomAD compares: African/African-American, 2%; 13 homozygotes.

Submissions (6):

Labcorp Genetics (formerly Invitae), Labcorp
Classification: Benign for Primary ciliary dyskinesia. Last evaluated: 2026-01-28. Review status: criteria provided, single submitter. Criteria: Invitae Variant Classification Sherloc (09022015). Collection method: clinical testing. Allele origin: germline.

Fulgent Genetics
Classification: Likely benign for Primary ciliary dyskinesia 7. Last evaluated: 2022-05-19. Review status: criteria provided, single submitter. Criteria: ACMG Guidelines, 2015. Collection method: clinical testing. Allele origin: unknown.

Illumina Laboratory Services, Illumina
Classification: Likely benign for Primary ciliary dyskinesia 7. Last evaluated: 2018-01-13. Review status: criteria provided, single submitter. Criteria: ICSL Variant Classification Criteria 13 December 2019. Collection method: clinical testing. Allele origin: germline.
Comment: This variant was observed in the ICSL laboratory as part of a predisposition screen in an ostensibly healthy population. It had not been previously curated by ICSL or reported in the Human Gene Mutation Database (HGMD: prior to June 1st, 2018), and was therefore a candidate for classification through an automated scoring system. Utilizing variant allele frequency, disease prevalence and penetrance estimates, and inheritance mode, an automated score was calculated to assess if this variant is too frequent to cause the disease. Based on the score and internal cut-off values, a variant classified as likely benign is not then subjected to further curation. The score for this variant resulted in a classification of likely benign for this disease.

Ambry Genetics
Classification: Benign for Primary ciliary dyskinesia. Last evaluated: 2015-08-26. Review status: criteria provided, single submitter. Criteria: Ambry Variant Classification Scheme 2023. Collection method: clinical testing. Allele origin: germline.

Breakthrough Genomics
Classification: Likely benign. Review status: criteria provided, single submitter. Criteria: ACMG Guidelines, 2015. Collection method: not provided. Allele origin: germline. Inheritance: Autosomal recessive inheritance. Affected: yes.

PreventionGenetics, part of Exact Sciences
Classification: Benign. Review status: criteria provided, single submitter. Criteria: ACMG Guidelines, 2015. Collection method: clinical testing. Allele origin: germline.

NM_001277115.2(DNAH11):c.3105G>A (p.Glu1035=)

Genes: DNAH11 (dynein axonemal heavy chain 11; plus strand), LOC126859961 (BRD4-independent group 4 enhancer GRCh37_chr7:21639662-21640861; plus strand). Cytogenetic location: 7p15.3.
Variant type: single nucleotide variant.
Coding change: c.3105G>A on transcript NM_001277115.2 (MANE Select); coding-DNA position 3105, G replaced by A.
Protein change: p.Glu1035=; no amino-acid change (glutamic acid 1035 retained).
Molecular consequence: synonymous variant.
Genome position (GRCh38, 1-based): chr7:21,600,780, G>A. VCF-style: chr7-21600780-G-A. GRCh37 (hg19) VCF-style: chr7-21640398-G-A.
Identifiers: ClinVar variation 221197 (VCV000221197.21), dbSNP rs191011620, ClinGen allele CA349129.